The following is an entry in ClinVar:

ClinVar aggregate classification (germline): Likely benign. Review status: criteria provided, multiple submitters, no conflicts (2 of 4 stars). 2 submissions from 2 submitters: Likely benign (2). Last evaluated 2026-04-23.

Conditions:
TTC21B-related disorder. Also called: TTC21B-related condition; TTC21B-related disorders.
Jeune thoracic dystrophy. Also called: Jeune syndrome; Infantile thoracic dystrophy; Thoracic pelvic phalangeal dystrophy; Jeune's syndrome; Chondroectodermal dysplasia-like syndrome; Short-rib thoracic dysplasia. Identifiers: Orphanet 474, MedGen C0265275, MONDO:0018770.
Nephronophthisis. Also called: Juvenile Nephronophthisis. Identifiers: Orphanet 655, MedGen C0687120, MONDO:0019005, HP:0000090.

Allele frequency attached by ClinVar (database versions not stated): TOPMed 0.00001; gnomAD 0.00002; gnomAD exomes 0.00007.
gnomAD v4.1: 101 of 1,612,888 alleles (0.0063%); highest among the groups gnomAD compares: Non-Finnish European, 0.0081%; no homozygotes.

Submissions (2):

PreventionGenetics, part of Exact Sciences
Classification: Likely benign for TTC21B-related condition. Last evaluated: 2026-04-23. Review status: criteria provided, single submitter. Criteria: ACMG Guidelines, 2015. Collection method: clinical testing. Allele origin: germline.
Comment: This variant is classified as likely benign based on ACMG/AMP sequence variant interpretation guidelines (Richards et al. 2015 PMID: 25741868, with internal and published modifications).

Labcorp Genetics (formerly Invitae), Labcorp
Classification: Likely benign for Jeune thoracic dystrophy; Nephronophthisis. Last evaluated: 2023-08-19. Review status: criteria provided, single submitter. Criteria: Invitae Variant Classification Sherloc (09022015). Collection method: clinical testing. Allele origin: germline.

NM_024753.5(TTC21B):c.2160T>C (p.Ala720=)

Gene: TTC21B (tetratricopeptide repeat domain 21B; minus strand). Cytogenetic location: 2q24.3.
Variant type: single nucleotide variant.
Coding change: c.2160T>C on transcript NM_024753.5 (MANE Select); coding-DNA position 2160, T replaced by C.
Protein change: p.Ala720=; no amino-acid change (alanine 720 retained).
Molecular consequence: synonymous variant.
Genome position (GRCh38, 1-based): chr2:165,913,625, A>G on the plus strand (T>C on the coding strand, the complement: TTC21B is on the minus strand). VCF-style: chr2-165913625-A-G. GRCh37 (hg19) VCF-style: chr2-166770135-A-G.
Other names: c.2160T>C (NM_024753.4).
Identifiers: ClinVar variation 1985221 (VCV001985221.5), dbSNP rs1424418595, ClinGen allele CA429899530.